The following is an entry in ClinVar:

ClinVar aggregate classification (germline): Likely benign. Review status: criteria provided, single submitter (1 of 4 stars). 2 submissions from 2 submitters: Likely benign (1). 1 of the submissions does not count toward it. Last evaluated 2026-02-03.

Conditions:
SH2B1-related disorder. Also called: SH2B1-related condition.

Allele frequency attached by ClinVar (database versions not stated): gnomAD 0.00001; TOPMed 0.00002; ExAC 0.00004; gnomAD exomes 0.00006.
gnomAD v4.1: 83 of 1,600,950 alleles (0.0052%); highest among the groups gnomAD compares: Non-Finnish European, 0.0067%; no homozygotes.

Submissions (2):

Labcorp Genetics (formerly Invitae), Labcorp
Classification: Likely benign. Last evaluated: 2026-02-03. Review status: criteria provided, single submitter. Criteria: Invitae Variant Classification Sherloc (09022015). Collection method: clinical testing. Allele origin: germline.

PreventionGenetics, part of Exact Sciences
Classification: Likely benign for SH2B1-related condition. Last evaluated: 2023-05-16. Review status: no assertion criteria provided. Collection method: clinical testing. Allele origin: germline. Not counted in ClinVar's aggregate classification.
Comment: This variant is classified as likely benign based on ACMG/AMP sequence variant interpretation guidelines (Richards et al. 2015 PMID: 25741868, with internal and published modifications).

NM_001387430.1(SH2B1):c.2004A>G (p.Ala668=)

Gene: SH2B1 (SH2B adaptor protein 1; plus strand). Cytogenetic location: 16p11.2.
Variant type: single nucleotide variant.
Coding change: c.2004A>G on transcript NM_001387430.1 (MANE Select); coding-DNA position 2004, A replaced by G.
Protein change: p.Ala668=; no amino-acid change (alanine 668 retained).
Molecular consequence: synonymous variant. On other transcripts: 3 prime UTR variant (5).
Genome position (GRCh38, 1-based): chr16:28,873,553, A>G. VCF-style: chr16-28873553-A-G. GRCh37 (hg19) VCF-style: chr16-28884874-A-G.
Other names: c.2004A>G, p.Ala668= (NM_001145795.2, NM_001308293.2, NM_001387404.1); c.*88A>G (NM_001145796.2, NM_001145812.2, NM_001308294.2 and 1 more transcripts); c.*105A>G (NM_001145797.2).
Identifiers: ClinVar variation 3043091 (VCV003043091.3), dbSNP rs1320808905, ClinGen allele CA7986425.